The following is an entry in ClinVar:

ClinVar aggregate classification (germline): Pathogenic/Likely pathogenic. Review status: criteria provided, multiple submitters, no conflicts (2 of 4 stars). 3 submissions from 3 submitters: Pathogenic (2); Likely pathogenic (1). Last evaluated 2025-07-07.

Conditions:
Inborn genetic diseases. Identifiers: MedGen C0950123, MeSH D030342.
Autosomal recessive cerebellar ataxia-saccadic intrusion syndrome. Also called: VPS13D Movement Disorder; SPINOCEREBELLAR ATAXIA 24. Identifiers: Orphanet 95434, MedGen C1846492, MONDO:0011811, OMIM 607317.

Allele frequency attached by ClinVar (database versions not stated): gnomAD exomes below 0.00001.
gnomAD v4.1: 2 of 1,613,414 alleles (0.00012%); highest among the groups gnomAD compares: African/African-American, 0.0013%; no homozygotes.

Submissions (3):

Variantyx, Inc.
Classification: Likely pathogenic for Autosomal recessive cerebellar ataxia-saccadic intrusion syndrome. Last evaluated: 2025-07-07. Review status: criteria provided, single submitter. Criteria: Variantyx Assertion Criteria 2022. Collection method: clinical testing. Allele origin: germline. Inheritance: Autosomal recessive inheritance.
Comment: This is a nonsense variant in the VPS13D gene (OMIM: 608877). Pathogenic variants in this gene have been associated with autosomal recessive spinocerebellar ataxia-4. This variant introduces a premature termination codon in exon 48 out of 70 and is expected to result in loss of function, which is a known disease mechanism for VPS13D in this disorder (PMID:29518281, 29604224) (PVS1). This variant has a 0.0057% maximum allele frequency in non-founder control populations (PM2) and it has not been reported in individuals with VPS13D-related disorders in the databases available for review. Based on the current evidence, this variant is classified as likely pathogenic for autosomal recessive spinocerebellar ataxia-4.

Labcorp Genetics (formerly Invitae), Labcorp
Classification: Pathogenic. Last evaluated: 2021-10-12. Review status: criteria provided, single submitter. Criteria: Invitae Variant Classification Sherloc (09022015). Collection method: clinical testing. Allele origin: germline.
Comment: For these reasons, this variant has been classified as Pathogenic. This variant has not been reported in the literature in individuals affected with VPS13D-related conditions. This variant is not present in population databases (ExAC no frequency). This sequence change creates a premature translational stop signal (p.Arg3253*) in the VPS13D gene. It is expected to result in an absent or disrupted protein product. Loss-of-function variants in VPS13D are known to be pathogenic (PMID: 29518281).

Ambry Genetics
Classification: Pathogenic for Inborn genetic diseases. Last evaluated: 2021-07-27. Review status: criteria provided, single submitter. Criteria: Ambry Variant Classification Scheme 2023. Collection method: clinical testing. Allele origin: germline.
Comment: The c.9757C>T (p.R3253*) alteration, located in exon 48 (coding exon 47) of the VPS13D gene, consists of a C to T substitution at nucleotide position 9757. This changes the amino acid from an arginine (R) to a stop codon at amino acid position 3253. This alteration is expected to result in loss of function by premature protein truncation or nonsense-mediated mRNA decay. This variant was not reported in population-based cohorts in the Genome Aggregation Database (gnomAD). Based on the available evidence, this alteration is classified as pathogenic.

Literature cited by the submitters: PubMed 29518281 (cited by Variantyx, Inc. and Labcorp Genetics (formerly Invitae), Labcorp); PubMed 29604224 (cited by Variantyx, Inc.).

NM_015378.4(VPS13D):c.9757C>T (p.Arg3253Ter)

Gene: VPS13D (vacuolar protein sorting 13 homolog D; plus strand). Cytogenetic location: 1p36.22.
Variant type: single nucleotide variant.
Coding change: c.9757C>T on transcript NM_015378.4 (MANE Select); coding-DNA position 9757, C replaced by T.
Protein change: p.Arg3253Ter; replaces arginine 3253 with a stop codon.
Molecular consequence: nonsense.
Genome position (GRCh38, 1-based): chr1:12,355,976, C>T. VCF-style: chr1-12355976-C-T. GRCh37 (hg19) VCF-style: chr1-12416033-C-T.
Other names: c.9757C>T (NM_015378.2); c.9682C>T, p.Arg3228Ter (NM_018156.4); short protein forms R3228*, R3253*.
Identifiers: ClinVar variation 1456771 (VCV001456771.8), dbSNP rs2101602721, ClinGen allele CA338495204.